The following is an entry in ClinVar:

NM_000395.3(CSF2RB):c.874G>C (p.Val292Leu)

Gene: CSF2RB (colony stimulating factor 2 receptor subunit beta; plus strand). Cytogenetic location: 22q12.3.
Variant type: single nucleotide variant.
Coding change: c.874G>C on transcript NM_000395.3 (MANE Select); coding-DNA position 874, G replaced by C.
Protein change: p.Val292Leu; replaces valine 292 with leucine.
Molecular consequence: missense variant.
Genome position (GRCh38, 1-based): chr22:36,930,692, G>C. VCF-style: chr22-36930692-G-C. GRCh37 (hg19) VCF-style: chr22-37326734-G-C.
Other names: c.892G>C, p.Val298Leu (NM_001410827.1); short protein forms V298L, V292L.
Identifiers: ClinVar variation 2901338 (VCV002901338.3), dbSNP rs1030675779, ClinGen allele CA323994274.

ClinVar aggregate classification (germline): Uncertain significance (1 of 4 stars; one submission).

Allele frequency attached by ClinVar (database versions not stated): gnomAD exomes below 0.00001; TOPMed below 0.00001.
gnomAD v4.1: 1 of 1,612,922 alleles (0.000062%); highest among the groups gnomAD compares: Admixed American, 0.0017%; no homozygotes.

Submission:

Labcorp Genetics (formerly Invitae), Labcorp
Classification: Uncertain significance. Last evaluated: 2023-09-09. Review status: criteria provided, single submitter. Criteria: Invitae Variant Classification Sherloc (09022015). Collection method: clinical testing. Allele origin: germline.
Comment: In summary, the available evidence is currently insufficient to determine the role of this variant in disease. Therefore, it has been classified as a Variant of Uncertain Significance. Advanced modeling of protein sequence and biophysical properties (such as structural, functional, and spatial information, amino acid conservation, physicochemical variation, residue mobility, and thermodynamic stability) performed at Invitae indicates that this missense variant is expected to disrupt CSF2RB protein function. This variant has not been reported in the literature in individuals affected with CSF2RB-related conditions. This variant is present in population databases (no rsID available, gnomAD 0.003%). This sequence change replaces valine, which is neutral and non-polar, with leucine, which is neutral and non-polar, at codon 292 of the CSF2RB protein (p.Val292Leu).